The following is an entry in ClinVar:

NM_001252024.2(TRPM1):c.2991C>T (p.Val997=)

Genes: TRPM1 (transient receptor potential cation channel subfamily M member 1; minus strand), TRPM1-AS1 (TRPM1 antisense RNA 1; plus strand). Cytogenetic location: 15q13.3.
Variant type: single nucleotide variant.
Coding change: c.2991C>T on transcript NM_001252024.2 (MANE Select); coding-DNA position 2991, C replaced by T.
Protein change: p.Val997=; no amino-acid change (valine 997 retained).
Molecular consequence: synonymous variant.
Genome position (GRCh38, 1-based): chr15:31,031,119, G>A on the plus strand (C>T on the coding strand, the complement: TRPM1 is on the minus strand). VCF-style: chr15-31031119-G-A. GRCh37 (hg19) VCF-style: chr15-31323322-G-A.
Other names: c.3042C>T, p.Val1014= (NM_001252020.2); c.2925C>T, p.Val975= (NM_002420.6).
Identifiers: ClinVar variation 886331 (VCV000886331.14), dbSNP rs115529590, ClinGen allele CA7452009.

ClinVar aggregate classification (germline): Benign/Likely benign. Review status: criteria provided, multiple submitters, no conflicts (2 of 4 stars). 4 submissions from 4 submitters: Benign (1); Likely benign (3). Last evaluated 2026-01-06.

Conditions:
Congenital stationary night blindness 1C. Also called: Night blindness, congenital stationary (complete), 1C, autosomal recessive. Identifiers: Orphanet 215, MedGen C2750747, MONDO:0013183, OMIM 613216.

Allele frequency attached by ClinVar (database versions not stated): gnomAD exomes 0.00070; ExAC 0.00084; gnomAD 0.00251 and 0.00272; 1000 Genomes Project 0.00280; TOPMed 0.00281; ESP Exome Variant Server 0.00289; 1000 Genomes Project 30x 0.00312.
gnomAD v4.1: 716 of 1,614,178 alleles (0.044%); highest among the groups gnomAD compares: African/African-American, 0.84%; 2 homozygotes.

Submissions (4):

Labcorp Genetics (formerly Invitae), Labcorp
Classification: Benign. Last evaluated: 2026-01-06. Review status: criteria provided, single submitter. Criteria: Invitae Variant Classification Sherloc (09022015). Collection method: clinical testing. Allele origin: germline.

Blueprint Genetics
Classification: Likely benign. Last evaluated: 2024-11-25. Review status: criteria provided, single submitter. Criteria: ACMG Guidelines, 2015. Collection method: clinical testing. Allele origin: germline.

Illumina Laboratory Services, Illumina
Classification: Likely benign for Congenital stationary night blindness 1C. Last evaluated: 2018-01-12. Review status: criteria provided, single submitter. Criteria: ICSL Variant Classification Criteria 13 December 2019. Collection method: clinical testing. Allele origin: germline.
Comment: This variant was observed in the ICSL laboratory as part of a predisposition screen in an ostensibly healthy population. It had not been previously curated by ICSL or reported in the Human Gene Mutation Database (HGMD: prior to June 1st, 2018), and was therefore a candidate for classification through an automated scoring system. Utilizing variant allele frequency, disease prevalence and penetrance estimates, and inheritance mode, an automated score was calculated to assess if this variant is too frequent to cause the disease. Based on the score and internal cut-off values, a variant classified as likely benign is not then subjected to further curation. The score for this variant resulted in a classification of likely benign for this disease.

Breakthrough Genomics
Classification: Likely benign. Review status: criteria provided, single submitter. Criteria: ACMG Guidelines, 2015. Collection method: not provided. Allele origin: germline. Inheritance: Unknown mechanism. Affected: yes.